The following is an entry in ClinVar:

NM_133433.4(NIPBL):c.5689_5691del (p.Asn1897del)

Gene: NIPBL (NIPBL cohesin loading factor; plus strand). Cytogenetic location: 5p13.2.
Variant type: Deletion.
Coding change: c.5689_5691del on transcript NM_133433.4 (MANE Select); coding-DNA positions 5689 to 5691, 3 bases deleted (AAT; older notation c.5689_5691delAAT).
Protein change: p.Asn1897del; deletes asparagine 1897.
Molecular consequence: inframe deletion.
Genome position (GRCh38, 1-based): chr5:37,024,699-37,024,701, AAT deleted. VCF-style (leftmost placement, unchanged base first): chr5-37024698-CAAT-C. GRCh37 (hg19) VCF-style: chr5-37024800-CAAT-C.
Other names: c.5689_5691del, p.Asn1897del (NM_015384.5); c.5689_5691del (NM_133433.3); short protein forms N1897del.
Identifiers: ClinVar variation 2203634 (VCV002203634.6), dbSNP rs2478366575, ClinGen allele CA2580073217.
Genomic context (GRCh38, chr5:37,024,698, plus strand): 5'-TATTGAACAACCAACATTTCCAAAAATCACAGAAATGTGTGTAAAAATGATTCGCAGAGT[CAAT>C]GATGAAGAGGGCATTAAGGTAGTGTTGACTGTTTTAAATTTATTTTTCATTAATGTTTAA-3'

ClinVar aggregate classification (germline): Pathogenic/Likely pathogenic. Review status: criteria provided, multiple submitters, no conflicts (2 of 4 stars). 3 submissions from 3 submitters: Pathogenic (1); Likely pathogenic (2). Last evaluated 2025-09-30.

Conditions:
Cornelia de Lange syndrome 1 (CDLS1). Also called: Brachmann de Lange syndrome; NIPBL-Related Cornelia de Lange Syndrome; TYPUS DEGENERATIVUS AMSTELODAMENSIS. Identifiers: Orphanet 199, MedGen C4551851, MONDO:0007387, OMIM 122470.

Submissions (3):

3billion
Classification: Likely pathogenic for Cornelia de Lange syndrome 1. Last evaluated: 2025-09-30. Review status: criteria provided, single submitter. Criteria: ACMG Guidelines, 2015. Collection method: clinical testing. Allele origin: germline. Affected: yes.
Comment: The variant is not observed in the gnomAD v4.1.0 dataset. Predicted Consequence/Location: Inframe deletion located in a nonrepeat region: predicted to change the length of the protein and disrupt normal protein function. The variant has been reported at least twice as pathogenic without evidence for the classification (ClinVar ID: VCV002203634 /PMID: 20358602). Therefore, this variant is classified as Likely pathogenic according to the recommendation of ACMG/AMP guideline.

GeneDx
Classification: Likely pathogenic. Last evaluated: 2024-07-03. Review status: criteria provided, single submitter. Criteria: GeneDx Variant Classification Process June 2021. Collection method: clinical testing. Allele origin: germline. Affected: yes.
Comment: In-frame deletion of 1 amino acids in a non-repeat region; Functional studies demonstrated reduced ATPase activity and some reduction in DNA loop extrusion activity; however, additional studies are needed to further elucidate the functional effect of this variant (PMID: 35476527); Not observed at significant frequency in large population cohorts (gnomAD); In silico analysis supports a deleterious effect on protein structure/function; This variant is associated with the following publications: (PMID: 20358602, 34315879, 37377026, 35904121, 32033219, 35476527, 33057194, 35982159)

Labcorp Genetics (formerly Invitae), Labcorp
Classification: Pathogenic for Cornelia de Lange syndrome 1. Last evaluated: 2023-11-13. Review status: criteria provided, single submitter. Criteria: Invitae Variant Classification Sherloc (09022015). Collection method: clinical testing. Allele origin: germline.
Comment: This variant, c.5689_5691del, results in the deletion of 1 amino acid(s) of the NIPBL protein (p.Asn1897del), but otherwise preserves the integrity of the reading frame. This variant is not present in population databases (gnomAD no frequency). This variant has been observed in individual(s) with clinical features of Cornelia de Lange syndrome (PMID: 20358602; Invitae). In at least one individual the variant was observed to be de novo. ClinVar contains an entry for this variant (Variation ID: 2203634). Algorithms developed to predict the effect of variants on protein structure and function are not available or were not evaluated for this variant. Experimental studies have shown that this variant affects NIPBL function (PMID: 35476527). For these reasons, this variant has been classified as Pathogenic.

Literature cited by the submitters: PubMed 20358602 (cited by 3billion and Labcorp Genetics (formerly Invitae), Labcorp); PubMed 35476527 (cited by Labcorp Genetics (formerly Invitae), Labcorp).